The following is an entry in ClinVar:

NM_016363.5(GP6):c.626C>G (p.Pro209Arg)

Gene: GP6 (glycoprotein VI platelet; minus strand). Cytogenetic location: 19q13.42.
Variant type: single nucleotide variant.
Coding change: c.626C>G on transcript NM_016363.5 (MANE Select); coding-DNA position 626, C replaced by G.
Protein change: p.Pro209Arg; replaces proline 209 with arginine.
Molecular consequence: missense variant. On other transcripts: intron variant (1).
Genome position (GRCh38, 1-based): chr19:55,025,256, G>C on the plus strand (C>G on the coding strand, the complement: GP6 is on the minus strand). VCF-style: chr19-55025256-G-C. GRCh37 (hg19) VCF-style: chr19-55536624-G-C.
Other names: c.626C>G, p.Pro209Arg (NM_001083899.2); c.610+2322C>G (NM_001256017.2); short protein forms P209R.
Identifiers: ClinVar variation 3648467 (VCV003648467.2).

ClinVar aggregate classification (germline): Uncertain significance (1 of 4 stars; one submission).

gnomAD v4.1: 1 of 1,547,910 alleles (0.000065%); highest among the groups gnomAD compares: Non-Finnish European, 0.000087%; no homozygotes.

Submission:

Labcorp Genetics (formerly Invitae), Labcorp
Classification: Uncertain significance. Last evaluated: 2024-04-02. Review status: criteria provided, single submitter. Criteria: Invitae Variant Classification Sherloc (09022015). Collection method: clinical testing. Allele origin: germline.
Comment: This sequence change replaces proline, which is neutral and non-polar, with arginine, which is basic and polar, at codon 209 of the GP6 protein (p.Pro209Arg). This variant is not present in population databases (gnomAD no frequency). This variant has not been reported in the literature in individuals affected with GP6-related conditions. An algorithm developed to predict the effect of missense changes on protein structure and function (PolyPhen-2) suggests that this variant is likely to be tolerated. In summary, the available evidence is currently insufficient to determine the role of this variant in disease. Therefore, it has been classified as a Variant of Uncertain Significance.